The following is an entry in ClinVar:

NM_003482.4(KMT2D):c.12359G>A (p.Gly4120Asp)

Gene: KMT2D (lysine methyltransferase 2D; minus strand). Cytogenetic location: 12q13.12.
Variant type: single nucleotide variant.
Coding change: c.12359G>A on transcript NM_003482.4 (MANE Select); coding-DNA position 12359, G replaced by A.
Protein change: p.Gly4120Asp; replaces glycine 4120 with aspartic acid.
Molecular consequence: missense variant.
Genome position (GRCh38, 1-based): chr12:49,032,346, C>T on the plus strand (G>A on the coding strand, the complement: KMT2D is on the minus strand). VCF-style: chr12-49032346-C-T. GRCh37 (hg19) VCF-style: chr12-49426129-C-T.
Other names: short protein forms G4120D.
Identifiers: ClinVar variation 3025517 (VCV003025517.23), dbSNP rs753017509, ClinGen allele CA6546217.

ClinVar aggregate classification (germline): Likely benign. Review status: criteria provided, multiple submitters, no conflicts (2 of 4 stars). 2 submissions from 2 submitters: Likely benign (2). Last evaluated 2025-10-02.

Conditions:
Kabuki syndrome. Also called: NIIKAWA-KUROKI SYNDROME; Kabuki make-up syndrome. Identifiers: Orphanet 2322, MedGen C0796004, MONDO:0016512.

Allele frequency attached by ClinVar (database versions not stated): gnomAD exomes below 0.00001; ExAC 0.00001; gnomAD 0.00001.
gnomAD v4.1: 2 of 1,613,534 alleles (0.00012%); highest among the groups gnomAD compares: Middle Eastern, 0.016%; no homozygotes.

Submissions (2):

Labcorp Genetics (formerly Invitae), Labcorp
Classification: Likely benign for Kabuki syndrome. Last evaluated: 2025-10-02. Review status: criteria provided, single submitter. Criteria: Invitae Variant Classification Sherloc (09022015). Collection method: clinical testing. Allele origin: germline.

CeGaT Center for Human Genetics Tuebingen
Classification: Likely benign. Last evaluated: 2023-12-01. Review status: criteria provided, single submitter. Criteria: CeGaT Center For Human Genetics Tuebingen Variant Classification Criteria Version 2. Collection method: clinical testing. Allele origin: germline. Affected: yes. Observed: 1 variant allele.
Comment: KMT2D: BP4